The following is an entry in ClinVar:

ClinVar aggregate classification (germline): Uncertain significance. Review status: criteria provided, multiple submitters, no conflicts (2 of 4 stars). 2 submissions from 2 submitters: Uncertain significance (2). Last evaluated 2024-11-23.

Conditions:
Cardiovascular phenotype. Identifiers: MedGen CN230736.

Allele frequency attached by ClinVar (database versions not stated): gnomAD exomes below 0.00001; ExAC 0.00001; TOPMed 0.00002; gnomAD 0.00003.
gnomAD v4.1: 10 of 1,591,908 alleles (0.00063%); highest among the groups gnomAD compares: East Asian, 0.0045%; no homozygotes.

Submissions (2):

Ambry Genetics
Classification: Uncertain significance for Cardiovascular phenotype. Last evaluated: 2024-11-23. Review status: criteria provided, single submitter. Criteria: Ambry Variant Classification Scheme 2023. Collection method: clinical testing. Allele origin: germline.
Comment: The p.R148W variant (also known as c.442C>T), located in coding exon 4 of the EPHB4 gene, results from a C to T substitution at nucleotide position 442. The arginine at codon 148 is replaced by tryptophan, an amino acid with dissimilar properties. This amino acid position is conserved. In addition, the in silico prediction for this alteration is inconclusive. Since supporting evidence is limited at this time, the clinical significance of this alteration remains unclear.

Mayo Clinic Laboratories, Mayo Clinic
Classification: Uncertain significance. Last evaluated: 2024-03-29. Review status: criteria provided, single submitter. Criteria: ACMG Guidelines, 2015. Collection method: clinical testing. Allele origin: germline. Observed: 1 variant allele.

Literature cited by the submitters: PubMed 30760892 (cited by Mayo Clinic Laboratories, Mayo Clinic).

NM_004444.5(EPHB4):c.442C>T (p.Arg148Trp)

Gene: EPHB4 (EPH receptor B4; minus strand). Cytogenetic location: 7q22.1.
Variant type: single nucleotide variant.
Coding change: c.442C>T on transcript NM_004444.5 (MANE Select); coding-DNA position 442, C replaced by T.
Protein change: p.Arg148Trp; replaces arginine 148 with tryptophan.
Molecular consequence: missense variant.
Genome position (GRCh38, 1-based): chr7:100,822,637, G>A on the plus strand (C>T on the coding strand, the complement: EPHB4 is on the minus strand). VCF-style: chr7-100822637-G-A. GRCh37 (hg19) VCF-style: chr7-100420259-G-A.
Other names: p.Arg148Trp; short protein forms R148W.
Identifiers: ClinVar variation 1740536 (VCV001740536.4), dbSNP rs774305640, ClinGen allele CA4393280.